The following is an entry in ClinVar:

NM_133510.4(RAD51B):c.731A>T (p.Tyr244Phe)

Gene: RAD51B (RAD51 paralog B; plus strand). Cytogenetic location: 14q24.1.
Variant type: single nucleotide variant.
Coding change: c.731A>T on transcript NM_133510.4 (MANE Select); coding-DNA position 731, A replaced by T.
Protein change: p.Tyr244Phe; replaces tyrosine 244 with phenylalanine.
Molecular consequence: missense variant.
Genome position (GRCh38, 1-based): chr14:67,887,179, A>T. VCF-style: chr14-67887179-A-T. GRCh37 (hg19) VCF-style: chr14-68353896-A-T.
Other names: c.731A>T, p.Tyr244Phe (NM_001321819.1, NM_001321821.2, NM_002877.6 and 6 more transcripts); c.617A>T, p.Tyr206Phe (NM_001321815.1); c.374A>T, p.Tyr125Phe (NM_001321817.2); short protein forms Y125F, Y206F, Y244F.
Identifiers: ClinVar variation 4862914 (VCV004862914.1).

ClinVar aggregate classification (germline): Uncertain significance (1 of 4 stars; one submission).

Submission:

Ambry Genetics
Classification: Uncertain significance. Last evaluated: 2026-05-21. Review status: criteria provided, single submitter. Criteria: Ambry Variant Classification Scheme 2023. Collection method: clinical testing. Allele origin: germline.
Comment: The p.Y244F variant (also known as c.731A>T), located in coding exon 6 of the RAD51B gene, results from an A to T substitution at nucleotide position 731. The tyrosine at codon 244 is replaced by phenylalanine, an amino acid with highly similar properties. This amino acid position is conserved. In addition, this alteration is predicted to be tolerated by in silico analysis. Based on the available evidence, the clinical significance of this variant remains unclear.